The following is an entry in ClinVar:

NM_080425.4(GNAS):c.1860C>T (p.Phe620=)

Gene: GNAS (GNAS complex locus; plus strand). Cytogenetic location: 20q13.32.
Variant type: single nucleotide variant.
Coding change: c.1860C>T on transcript NM_080425.4 (MANE Plus Clinical); coding-DNA position 1860, C replaced by T.
Protein change: p.Phe620=; no amino-acid change (phenylalanine 620 retained).
Molecular consequence: synonymous variant. On other transcripts: missense variant (2), intron variant (3).
Genome position (GRCh38, 1-based): chr20:58,855,125, C>T. VCF-style: chr20-58855125-C-T. GRCh37 (hg19) VCF-style: chr20-57430180-C-T.
Other names: c.1673C>T, p.Ser558Leu (NM_001077490.3, NM_001309883.1); c.1860C>T, p.Phe620= (NM_001410913.1); c.*42+14239C>T (NM_016592.5); c.43+14239C>T (NM_001410912.1); c.-39+13250C>T (NM_001309861.2); short protein forms S558L.
Identifiers: ClinVar variation 2636162 (VCV002636162.2), dbSNP rs199549396, ClinGen allele CA9926784.
Genomic context (GRCh38, chr20:58,855,125, plus strand): 5'-CCGAAAGCCCCAGCGCAACTTACTCCGCAACTTTCTCGTGCAAGCCTTCGGGGGCTGCTT[C>T]GGTCGATCTGAGAGTCCCCAGCCCAAAGCCTCGCGCTCTCTCAAGGTCAAGAAGGTACCC-3'
Protein context (NP_536350.2, residues 610-630): NFLVQAFGGC[Phe620=]GRSESPQPKA

ClinVar aggregate classification (germline): Uncertain significance (1 of 4 stars; one submission).

Conditions:
GNAS-related disorder. Identifiers: MedGen CN380105.

gnomAD v4.1: 18 of 1,613,578 alleles (0.0011%); highest among the groups gnomAD compares: African/African-American, 0.0027%; no homozygotes.

Submission:

PreventionGenetics, part of Exact Sciences
Classification: Uncertain significance for GNAS-related condition. Last evaluated: 2024-12-09. Review status: criteria provided, single submitter. Criteria: ACMG Guidelines, 2015. Collection method: clinical testing. Allele origin: germline.
Comment: The GNAS c.1673C>T variant is predicted to result in the amino acid substitution p.Ser558Leu. This variant is also referred to as c.-36602C>T (pre-coding) with the more commonly reported isoform, NM_000516. To our knowledge, this variant has not been reported in the literature. This variant is reported in 0.0027% of alleles in individuals of European (Non-Finnish) descent in gnomAD. At this time, the clinical significance of this variant is uncertain due to the absence of conclusive functional and genetic evidence.